The following is an entry in ClinVar:

ClinVar aggregate classification (germline): Uncertain significance (1 of 4 stars; one submission).

Submission:

Mayo Clinic Laboratories, Mayo Clinic
Classification: Uncertain significance. Last evaluated: 2023-11-13. Review status: criteria provided, single submitter. Criteria: ACMG Guidelines, 2015. Collection method: clinical testing. Allele origin: germline. Observed: 1 variant allele.
Comment: PM1, PM2_moderate

NM_000185.4(SERPIND1):c.1135G>C (p.Glu379Gln)

Genes: PI4KA (phosphatidylinositol 4-kinase alpha; minus strand), SERPIND1 (serpin family D member 1; plus strand). Cytogenetic location: 22q11.21.
Variant type: single nucleotide variant.
Coding change: c.1135G>C on transcript NM_000185.4 (MANE Select); coding-DNA position 1135, G replaced by C.
Protein change: p.Glu379Gln; replaces glutamic acid 379 with glutamine.
Molecular consequence: missense variant. On other transcripts: intron variant (3).
Genome position (GRCh38, 1-based): chr22:20,784,217, G>C. VCF-style: chr22-20784217-G-C. GRCh37 (hg19) VCF-style: chr22-21138505-G-C.
Other names: p.Glu379Gln; c.2262+8976C>G (NM_001362863.2); c.2328+8976C>G (NM_001362862.2, NM_058004.4); short protein forms E379Q.
Identifiers: ClinVar variation 3380699 (VCV003380699.1).